The following is an entry in ClinVar:

NM_018714.3(COG1):c.1273C>T (p.Arg425Ter)

Genes: COG1 (component of oligomeric golgi complex 1; plus strand), LOC126862634 (CDK7 strongly-dependent group 2 enhancer GRCh37_chr17:71195948-71197147; plus strand). Cytogenetic location: 17q25.1.
Variant type: single nucleotide variant.
Coding change: c.1273C>T on transcript NM_018714.3 (MANE Select); coding-DNA position 1273, C replaced by T.
Protein change: p.Arg425Ter; replaces arginine 425 with a stop codon.
Molecular consequence: nonsense.
Genome position (GRCh38, 1-based): chr17:73,200,768, C>T. VCF-style: chr17-73200768-C-T. GRCh37 (hg19) VCF-style: chr17-71196907-C-T.
Other names: short protein forms R425*.
Identifiers: ClinVar variation 4883403 (VCV004883403.2).
Genomic context (GRCh38, chr17:73,200,768, plus strand): 5'-CGGCTTCTGGAGAAGCCGCTCTTGTTCTGGGAAGATATGATGCAGCAACTGTTCCTTGAC[C>T]GATTACAGGTGAGCTGGACAGTCACATGGTCTACCTGTTTTATGGCCAATCCTAGTGGTA-3'

ClinVar aggregate classification (germline): Likely pathogenic (1 of 4 stars; one submission).

Conditions:
COG1 congenital disorder of glycosylation (CDG2G). Also called: CONGENITAL DISORDER OF GLYCOSYLATION, TYPE IIg; CDG IIg; CDGII/COG1 CEREBROCOSTOMANDIBULAR-LIKE SYNDROME. Identifiers: Orphanet 263508, MedGen C2931011, MONDO:0012637, OMIM 611209.

gnomAD v4.1: 6 of 1,613,730 alleles (0.00037%); highest among the groups gnomAD compares: African/African-American, 0.0013%; no homozygotes.

Submission:

Dasa
Classification: Likely pathogenic for COG1 congenital disorder of glycosylation. Last evaluated: 2025-01-16. Review status: criteria provided, single submitter. Criteria: DASA Assertion Criteria. Collection method: clinical testing. Allele origin: germline.
Comment: NM_018714.3(COG1):c.1273C>T (p.Arg425*) is a nonsense variant in COG1 predicted to introduce a premature termination codon and is predicted to result in an absent or altered protein product. Loss of function is an established disease mechanism for COG1-associated disorders. Also, this variant is rare in population databases. Based on the currently available evidence, this variant is classified as likely pathogenic.